The following is an entry in ClinVar:

NM_004369.4(COL6A3):c.5158A>C (p.Lys1720Gln)

Gene: COL6A3 (collagen type VI alpha 3 chain; minus strand). Cytogenetic location: 2q37.3.
Variant type: single nucleotide variant.
Coding change: c.5158A>C on transcript NM_004369.4 (MANE Select); coding-DNA position 5158, A replaced by C.
Protein change: p.Lys1720Gln; replaces lysine 1720 with glutamine.
Molecular consequence: missense variant.
Genome position (GRCh38, 1-based): chr2:237,367,029, T>G on the plus strand (A>C on the coding strand, the complement: COL6A3 is on the minus strand). VCF-style: chr2-237367029-T-G. GRCh37 (hg19) VCF-style: chr2-238275672-T-G.
Other names: c.3337A>C, p.Lys1113Gln (NM_057166.5); c.4540A>C, p.Lys1514Gln (NM_057167.4); short protein forms K1113Q, K1514Q, K1720Q.
Identifiers: ClinVar variation 4805714 (VCV004805714.1).

ClinVar aggregate classification (germline): Uncertain significance (1 of 4 stars; one submission).

Conditions:
Bethlem myopathy 1A. Also called: MYOPATHY, BENIGN CONGENITAL, WITH CONTRACTURES; Bethlem myopathy 1; Bethlem Muscular Dystrophy. Identifiers: Orphanet 610, MedGen CN029274, MONDO:0024530, OMIM 158810.

gnomAD v4.1: 1 of 1,614,238 alleles (0.000062%); highest among the groups gnomAD compares: East Asian, 0.0022%; no homozygotes.

Submission:

Labcorp Genetics (formerly Invitae), Labcorp
Classification: Uncertain significance for Bethlem myopathy 1A. Last evaluated: 2025-06-06. Review status: criteria provided, single submitter. Criteria: Invitae Variant Classification Sherloc (09022015). Collection method: clinical testing. Allele origin: germline.
Comment: This sequence change replaces lysine, which is basic and polar, with glutamine, which is neutral and polar, at codon 1720 of the COL6A3 protein (p.Lys1720Gln). This variant is present in population databases (rs758181050, gnomAD 0.006%). This variant has not been reported in the literature in individuals affected with COL6A3-related conditions. Invitae Evidence Modeling of protein sequence and biophysical properties (such as structural, functional, and spatial information, amino acid conservation, physicochemical variation, residue mobility, and thermodynamic stability) indicates that this missense variant is not expected to disrupt COL6A3 protein function with a negative predictive value of 80%. In summary, the available evidence is currently insufficient to determine the role of this variant in disease. Therefore, it has been classified as a Variant of Uncertain Significance.